The following is an entry in ClinVar:

NM_001365999.1(SZT2):c.2354G>A (p.Ser785Asn)

Gene: SZT2 (SZT2 subunit of KICSTOR complex; plus strand). Cytogenetic location: 1p34.2.
Variant type: single nucleotide variant.
Coding change: c.2354G>A on transcript NM_001365999.1 (MANE Select); coding-DNA position 2354, G replaced by A.
Protein change: p.Ser785Asn; replaces serine 785 with asparagine.
Molecular consequence: missense variant.
Genome position (GRCh38, 1-based): chr1:43,424,315, G>A. VCF-style: chr1-43424315-G-A. GRCh37 (hg19) VCF-style: chr1-43889986-G-A.
Other names: c.2354G>A, p.Ser785Asn (NM_015284.4); short protein forms S785N.
Identifiers: ClinVar variation 841476 (VCV000841476.9), dbSNP rs780936134, ClinGen allele CA808674.

ClinVar aggregate classification (germline): Uncertain significance. Review status: criteria provided, multiple submitters, no conflicts (2 of 4 stars). 2 submissions from 2 submitters: Uncertain significance (2). Last evaluated 2024-12-03.

Conditions:
Inborn genetic diseases. Identifiers: MedGen C0950123, MeSH D030342.

Allele frequency attached by ClinVar (database versions not stated): gnomAD exomes below 0.00001 and 0.00002; TOPMed below 0.00001; ExAC 0.00001.
gnomAD v4.1: 5 of 1,598,054 alleles (0.00031%); highest among the groups gnomAD compares: East Asian, 0.011%; no homozygotes.

Submissions (2):

Ambry Genetics
Classification: Uncertain significance for Inborn genetic diseases. Last evaluated: 2024-12-03. Review status: criteria provided, single submitter. Criteria: Ambry Variant Classification Scheme 2023. Collection method: clinical testing. Allele origin: germline.

Labcorp Genetics (formerly Invitae), Labcorp
Classification: Uncertain significance. Last evaluated: 2019-03-27. Review status: criteria provided, single submitter. Criteria: Invitae Variant Classification Sherloc (09022015). Collection method: clinical testing. Allele origin: germline.
Comment: In summary, the available evidence is currently insufficient to determine the role of this variant in disease. Therefore, it has been classified as a Variant of Uncertain Significance. Algorithms developed to predict the effect of missense changes on protein structure and function are either unavailable or do not agree on the potential impact of this missense change (SIFT: "Deleterious"; PolyPhen-2: "Possibly Damaging"; Align-GVGD: "Class C0"). This variant has not been reported in the literature in individuals with SZT2-related conditions. The frequency data for this variant in the population databases is considered unreliable, as metrics indicate poor data quality at this position in the ExAC database. This sequence change replaces serine with asparagine at codon 785 of the SZT2 protein (p.Ser785Asn). The serine residue is moderately conserved and there is a small physicochemical difference between serine and asparagine.